The following is an entry in ClinVar:

NM_022114.4(PRDM16):c.2743A>G (p.Lys915Glu)

Gene: PRDM16 (PR/SET domain 16; plus strand). Cytogenetic location: 1p36.32.
Variant type: single nucleotide variant.
Coding change: c.2743A>G on transcript NM_022114.4 (MANE Select); coding-DNA position 2743, A replaced by G.
Protein change: p.Lys915Glu; replaces lysine 915 with glutamic acid.
Molecular consequence: missense variant.
Genome position (GRCh38, 1-based): chr1:3,417,879, A>G. VCF-style: chr1-3417879-A-G. GRCh37 (hg19) VCF-style: chr1-3334443-A-G.
Other names: c.2743A>G, p.Lys915Glu (NM_199454.3); short protein forms K915E.
Identifiers: ClinVar variation 2132586 (VCV002132586.4), dbSNP rs1638313904, ClinGen allele CA338001423.

ClinVar aggregate classification (germline): Uncertain significance (1 of 4 stars; one submission).

Conditions:
Left ventricular noncompaction 8 (LVNC8). Identifiers: Orphanet 154, Orphanet 54260, MedGen C3809288, MONDO:0014152, OMIM 615373.

Submission:

Labcorp Genetics (formerly Invitae), Labcorp
Classification: Uncertain significance for Left ventricular noncompaction 8. Last evaluated: 2022-05-03. Review status: criteria provided, single submitter. Criteria: Invitae Variant Classification Sherloc (09022015). Collection method: clinical testing. Allele origin: germline.
Comment: In summary, the available evidence is currently insufficient to determine the role of this variant in disease. Therefore, it has been classified as a Variant of Uncertain Significance. Algorithms developed to predict the effect of missense changes on protein structure and function are either unavailable or do not agree on the potential impact of this missense change (SIFT: "Deleterious"; PolyPhen-2: "Benign"; Align-GVGD: "Class C0"). This variant has not been reported in the literature in individuals affected with PRDM16-related conditions. This variant is not present in population databases (gnomAD no frequency). This sequence change replaces lysine, which is basic and polar, with glutamic acid, which is acidic and polar, at codon 915 of the PRDM16 protein (p.Lys915Glu).